The following is an entry in ClinVar:

NM_004260.4(RECQL4):c.143_144del (p.Leu48fs)

Genes: RECQL4 (RecQ like helicase 4; minus strand), LOC130001411 (ATAC-STARR-seq lymphoblastoid silent region 19699; plus strand). Cytogenetic location: 8q24.3.
Variant type: Deletion.
Coding change: c.143_144del on transcript NM_004260.4 (MANE Select); coding-DNA positions 143 to 144, 2 bases deleted (TG; older notation c.143_144delTG).
Protein change: p.Leu48fs; shifts the reading frame from leucine 48.
Molecular consequence: frameshift variant.
Genome position (GRCh38, 1-based): chr8:144,517,483-144,517,484, CA deleted on the plus strand (TG on the coding strand, the reverse complement: RECQL4 is on the minus strand). VCF-style (leftmost placement, unchanged base first): chr8-144517482-TCA-T. GRCh37 (hg19) VCF-style: chr8-145742866-TCA-T.
Other names: c.143_144delTG (NM_004260.3); short protein forms L48fs.
Identifiers: ClinVar variation 459326 (VCV000459326.8), dbSNP rs1554904773, ClinGen allele CA658657854.
Genomic context (GRCh38, chr8:144,517,482, plus strand): 5'-CCGCCGCGGGGAGCGACTCGGAGCTGCGGAGCCCGCCGCCGGCCTGGCCCGTGGTACGCT[TCA>T]GAGTGCGGTATTCCCGGTAGAGCGCTGCGTGGGCGAGCGGGAGGCGGGGTCAGGGTGGGG-3'

ClinVar aggregate classification (germline): Pathogenic/Likely pathogenic. Review status: criteria provided, multiple submitters, no conflicts (2 of 4 stars). 2 submissions from 2 submitters: Pathogenic (1); Likely pathogenic (1). Last evaluated 2025-06-16.

Conditions:
Baller-Gerold syndrome (BGS). Also called: CRANIOSYNOSTOSIS WITH RADIAL DEFECTS. Identifiers: Orphanet 1225, MedGen C0265308, MONDO:0009039, OMIM 218600.

Allele frequency attached by ClinVar (database versions not stated): gnomAD exomes below 0.00001; TOPMed below 0.00001; gnomAD 0.00001.

Submissions (2):

Dasa
Classification: Likely pathogenic. Last evaluated: 2025-06-16. Review status: criteria provided, single submitter. Criteria: DASA Assertion Criteria. Collection method: clinical testing. Allele origin: germline.
Comment: NM_004260.4(RECQL4):c.143_144del (p.Leu48Glnfs*88) is a frameshift variant in RECQL4 predicted to alter the reading frame and introduce a premature termination codon and is predicted to result in an absent or altered protein product. Loss of function is an established disease mechanism for RECQL4-associated disorders. Published studies describe this variant in association with related phenotype (PMID: 12734318; PMID: 12952869). Also, this variant is rare in population databases. Based on the currently available evidence, this variant is classified as likely pathogenic.

Labcorp Genetics (formerly Invitae), Labcorp
Classification: Pathogenic for Baller-Gerold syndrome. Last evaluated: 2023-03-31. Review status: criteria provided, single submitter. Criteria: Invitae Variant Classification Sherloc (09022015). Collection method: clinical testing. Allele origin: germline.
Comment: For these reasons, this variant has been classified as Pathogenic. ClinVar contains an entry for this variant (Variation ID: 459326). This variant has not been reported in the literature in individuals affected with RECQL4-related conditions. This variant is not present in population databases (gnomAD no frequency). This sequence change creates a premature translational stop signal (p.Leu48Glnfs*88) in the RECQL4 gene. It is expected to result in an absent or disrupted protein product. Loss-of-function variants in RECQL4 are known to be pathogenic (PMID: 12734318, 12952869).

Literature cited by the submitters: PubMed 12734318 (cited by Dasa and Labcorp Genetics (formerly Invitae), Labcorp); PubMed 12952869 (cited by Dasa and Labcorp Genetics (formerly Invitae), Labcorp).